The following is an entry in ClinVar:

NM_000183.3(HADHB):c.631-2A>C

Gene: HADHB (hydroxyacyl-CoA dehydrogenase trifunctional multienzyme complex subunit beta; plus strand). Cytogenetic location: 2p23.3.
Variant type: single nucleotide variant.
Coding change: c.631-2A>C on transcript NM_000183.3 (MANE Select); the canonical splice acceptor site of the intron before coding-DNA position 631, A replaced by C.
Molecular consequence: splice acceptor variant.
Genome position (GRCh38, 1-based): chr2:26,279,133, A>C. VCF-style: chr2-26279133-A-C. GRCh37 (hg19) VCF-style: chr2-26502001-A-C.
Other names: c.565-2A>C (NM_001281513.2); c.586-2A>C (NM_001281512.2).
Identifiers: ClinVar variation 643838 (VCV000643838.2), dbSNP rs1574663316, ClinGen allele CA346092826.
Genomic context (GRCh38, chr2:26,279,133, plus strand): 5'-CCTAGGTGTTAGCATAACACCGGTTAACAGTGTACCTGCTCCTTGGATATCTCCTTTCCC[A>C]GCTCCCTGCGGTTTCTGAGTTCTCCACCAGTGAGACCATGGGCCACTCTGCAGACCGACT-3'

ClinVar aggregate classification (germline): Likely pathogenic. Review status: criteria provided, multiple submitters, no conflicts (2 of 4 stars). 2 submissions from 2 submitters: Likely pathogenic (2). Last evaluated 2022-06-14.

Conditions:
Mitochondrial trifunctional protein deficiency. Identifiers: Orphanet 746, MedGen C1969443, MONDO:0012172.

Allele frequency attached by ClinVar (database versions not stated): gnomAD exomes below 0.00001.
gnomAD v4.1: 1 of 1,612,556 alleles (0.000062%); highest among the groups gnomAD compares: Non-Finnish European, 0.000085%; no homozygotes.

Submissions (2):

Baylor Genetics
Classification: Likely pathogenic for Mitochondrial trifunctional protein deficiency 1. Last evaluated: 2022-06-14. Review status: criteria provided, single submitter. Criteria: ACMG Guidelines, 2015. Collection method: clinical testing. Allele origin: unknown.

Labcorp Genetics (formerly Invitae), Labcorp
Classification: Likely pathogenic for Mitochondrial trifunctional protein deficiency. Last evaluated: 2018-09-26. Review status: criteria provided, single submitter. Criteria: Invitae Variant Classification Sherloc (09022015). Collection method: clinical testing. Allele origin: germline.
Comment: This sequence change affects an acceptor splice site in intron 8 of the HADHB gene. It is expected to disrupt RNA splicing and likely results in an absent or disrupted protein product. This variant is not present in population databases (ExAC no frequency). This variant has not been reported in the literature in individuals with HADHB-related disease. Algorithms developed to predict the effect of sequence changes on RNA splicing suggest that this variant may disrupt the consensus splice site, but this prediction has not been confirmed by published transcriptional studies. Donor and acceptor splice site variants typically lead to a loss of protein function (PMID: 16199547), and loss-of-function variants in HADHB are known to be pathogenic (PMID: 9259266, 12754706). In summary, the currently available evidence indicates that the variant is pathogenic, but additional data are needed to prove that conclusively. Therefore, this variant has been classified as Likely Pathogenic.

Literature cited by the submitters: PubMed 12754706 (cited by Labcorp Genetics (formerly Invitae), Labcorp); PubMed 9259266 (cited by Labcorp Genetics (formerly Invitae), Labcorp).